The following is an entry in ClinVar:

ClinVar aggregate classification (germline): Uncertain significance (1 of 4 stars; one submission).

Conditions:
Ehlers-Danlos syndrome, classic type, 1 (EDSCL1). Also called: EHLERS-DANLOS SYNDROME, GRAVIS TYPE; EHLERS-DANLOS SYNDROME, SEVERE CLASSIC TYPE; Ehlers-Danlos syndrome, type 1; Ehlers-Danlos Syndrome, Classic Type, COL5A1-Related; EDS I. Identifiers: MedGen C0268335, MONDO:0019567, OMIM 130000.

Submission:

Labcorp Genetics (formerly Invitae), Labcorp
Classification: Uncertain significance for Ehlers-Danlos syndrome, classic type, 1. Last evaluated: 2023-06-04. Review status: criteria provided, single submitter. Criteria: Invitae Variant Classification Sherloc (09022015). Collection method: clinical testing. Allele origin: germline.
Comment: In summary, the available evidence is currently insufficient to determine the role of this variant in disease. Therefore, it has been classified as a Variant of Uncertain Significance. Advanced modeling of protein sequence and biophysical properties (such as structural, functional, and spatial information, amino acid conservation, physicochemical variation, residue mobility, and thermodynamic stability) performed at Invitae indicates that this missense variant is not expected to disrupt COL5A1 protein function. This variant has not been reported in the literature in individuals affected with COL5A1-related conditions. This variant is not present in population databases (gnomAD no frequency). This sequence change replaces glycine, which is neutral and non-polar, with aspartic acid, which is acidic and polar, at codon 203 of the COL5A1 protein (p.Gly203Asp).

NM_000093.5(COL5A1):c.608G>A (p.Gly203Asp)

Gene: COL5A1 (collagen type V alpha 1 chain; plus strand). Cytogenetic location: 9q34.3.
Variant type: single nucleotide variant.
Coding change: c.608G>A on transcript NM_000093.5 (MANE Select); coding-DNA position 608, G replaced by A.
Protein change: p.Gly203Asp; replaces glycine 203 with aspartic acid.
Molecular consequence: missense variant.
Genome position (GRCh38, 1-based): chr9:134,701,287, G>A. VCF-style: chr9-134701287-G-A. GRCh37 (hg19) VCF-style: chr9-137593133-G-A.
Other names: c.608G>A, p.Gly203Asp (NM_001278074.1); short protein forms G203D.
Identifiers: ClinVar variation 2767447 (VCV002767447.3), dbSNP rs1554781700, ClinGen allele CA375443452.